The following is an entry in ClinVar:

ClinVar aggregate classification (germline): Pathogenic (1 of 4 stars; one submission).

Conditions:
Familial cancer of breast. Also called: BREAST CANCER, FAMILIAL; Hereditary breast cancer; hereditary breast carcinoma. Identifiers: Orphanet 227535, MedGen C0346153, MONDO:0016419, OMIM 114480. Disease mechanism: loss of function.

Submission:

Labcorp Genetics (formerly Invitae), Labcorp
Classification: Pathogenic for Familial cancer of breast. Last evaluated: 2023-04-09. Review status: criteria provided, single submitter. Criteria: Invitae Variant Classification Sherloc (09022015). Collection method: clinical testing. Allele origin: germline.
Comment: For these reasons, this variant has been classified as Pathogenic. This variant has not been reported in the literature in individuals affected with PALB2-related conditions. This variant is a gross deletion of the genomic region encompassing exon(s) 1-6 of the PALB2 gene, which includes the initiator codon. This deletion extends beyond the assayed region for this gene and therefore may encompass additional genes. It is expected to result in an absent or disrupted protein product. Loss-of-function variants in PALB2 are known to be pathogenic (PMID: 17200668, 17200671, 17200672, 24136930, 25099575).

Literature cited by the submitters: PubMed 17200668; PubMed 17200671; PubMed 17200672; PubMed 24136930; PubMed 25099575.

NC_000016.10:g.(?_23629194)_(23641157_?)del

Gene: PALB2 (partner and localizer of BRCA2; minus strand). Cytogenetic location: 16p12.2.
Variant type: Deletion.
Identifiers: ClinVar variation 832781 (VCV000832781.6).